The following is an entry in ClinVar:

ClinVar aggregate classification (germline): Uncertain significance (1 of 4 stars; one submission).

Conditions:
CSDE1-related disorder. Also called: CSDE1-related condition.

Submission:

PreventionGenetics, part of Exact Sciences
Classification: Uncertain significance for CSDE1-related condition. Last evaluated: 2025-09-12. Review status: criteria provided, single submitter. Criteria: ACMG Guidelines, 2015. Collection method: clinical testing. Allele origin: germline.
Comment: The CSDE1 c.199T>G variant is predicted to result in the amino acid substitution p.Ser67Ala. To our knowledge, this variant has not been reported in the literature or in a large population database (gnomAD), indicating this variant is rare. At this time, the clinical significance of this variant is uncertain due to the absence of conclusive functional and genetic evidence.

NM_001007553.3(CSDE1):c.61T>G (p.Ser21Ala)

Gene: CSDE1 (cold shock domain containing E1; minus strand). Cytogenetic location: 1p13.2.
Variant type: single nucleotide variant.
Coding change: c.61T>G on transcript NM_001007553.3 (MANE Select); coding-DNA position 61, T replaced by G.
Protein change: p.Ser21Ala; replaces serine 21 with alanine.
Molecular consequence: missense variant.
Genome position (GRCh38, 1-based): chr1:114,739,830, A>C on the plus strand (T>G on the coding strand, the complement: CSDE1 is on the minus strand). VCF-style: chr1-114739830-A-C. GRCh37 (hg19) VCF-style: chr1-115282451-A-C.
Other names: c.199T>G, p.Ser67Ala (NM_001130523.3, NM_001242891.2); c.61T>G, p.Ser21Ala (NM_001242892.2, NM_001242893.2, NM_007158.6); short protein forms S67A, S21A.
Identifiers: ClinVar variation 4992137 (VCV004992137.1).